The following is an entry in ClinVar:

NM_005996.4(TBX3):c.1587C>T (p.Ala529=)

Gene: TBX3 (T-box transcription factor 3; minus strand). Cytogenetic location: 12q24.21.
Variant type: single nucleotide variant.
Coding change: c.1587C>T on transcript NM_005996.4 (MANE Select); coding-DNA position 1587, C replaced by T.
Protein change: p.Ala529=; no amino-acid change (alanine 529 retained).
Molecular consequence: synonymous variant.
Genome position (GRCh38, 1-based): chr12:114,674,288, G>A on the plus strand (C>T on the coding strand, the complement: TBX3 is on the minus strand). VCF-style: chr12-114674288-G-A. GRCh37 (hg19) VCF-style: chr12-115112093-G-A.
Other names: c.1647C>T, p.Ala549= (NM_016569.4).
Identifiers: ClinVar variation 3355122 (VCV003355122.1).
Genomic context (GRCh38, chr12:114,674,288, plus strand): 5'-TCCCTGCGCCGCAGCGGCAGAGGCCATGGCCGTGGAATCCAGGCCCGAGACACCGGTGGA[G>A]GCCCCAGAAACCGTGGCCAGGAGGGGACCCATGCCAGCGGCCGCCATGCTGGAGAAGGCG-3'
Protein context (NP_005987.3, residues 519-539): MGPLLATVSG[Ala529=]STGVSGLDST

ClinVar aggregate classification (germline): Likely benign (0 of 4 stars; one submission).

Conditions:
TBX3-related disorder. Also called: TBX3-related condition.

gnomAD v4.1: 2 of 1,581,022 alleles (0.00013%); highest among the groups gnomAD compares: African/African-American, 0.0013%; no homozygotes.

Submission:

PreventionGenetics, part of Exact Sciences
Classification: Likely benign for TBX3-related condition. Last evaluated: 2023-08-28. Review status: no assertion criteria provided. Collection method: clinical testing. Allele origin: germline.
Comment: This variant is classified as likely benign based on ACMG/AMP sequence variant interpretation guidelines (Richards et al. 2015 PMID: 25741868, with internal and published modifications).